The following is an entry in ClinVar:

NM_001127208.3(TET2):c.1897A>G (p.Met633Val)

Genes: TET2 (tet methylcytosine dioxygenase 2; plus strand), TET2-AS1 (TET2 antisense RNA 1; minus strand). Cytogenetic location: 4q24.
Variant type: single nucleotide variant.
Coding change: c.1897A>G on transcript NM_001127208.3 (MANE Select); coding-DNA position 1897, A replaced by G.
Protein change: p.Met633Val; replaces methionine 633 with valine.
Molecular consequence: missense variant.
Genome position (GRCh38, 1-based): chr4:105,235,839, A>G. VCF-style: chr4-105235839-A-G. GRCh37 (hg19) VCF-style: chr4-106156996-A-G.
Other names: c.1897A>G, p.Met633Val (NM_017628.4); short protein forms M633V.
Identifiers: ClinVar variation 2704036 (VCV002704036.3), dbSNP rs374789850, ClinGen allele CA357796852.

ClinVar aggregate classification (germline): Uncertain significance (1 of 4 stars; one submission).

Allele frequency attached by ClinVar (database versions not stated): gnomAD 0.00001; TOPMed 0.00001.
gnomAD v4.1: 1 of 1,613,920 alleles (0.000062%); highest among the groups gnomAD compares: African/African-American, 0.0013%; no homozygotes.

Submission:

Labcorp Genetics (formerly Invitae), Labcorp
Classification: Uncertain significance. Last evaluated: 2023-12-19. Review status: criteria provided, single submitter. Criteria: Invitae Variant Classification Sherloc (09022015). Collection method: clinical testing. Allele origin: germline.
Comment: This sequence change replaces methionine, which is neutral and non-polar, with valine, which is neutral and non-polar, at codon 633 of the TET2 protein (p.Met633Val). This variant is not present in population databases (gnomAD no frequency). This variant has not been reported in the literature in individuals affected with TET2-related conditions. Algorithms developed to predict the effect of missense changes on protein structure and function output the following: SIFT: "Not Available"; PolyPhen-2: "Benign"; Align-GVGD: "Not Available". The valine amino acid residue is found in multiple mammalian species, which suggests that this missense change does not adversely affect protein function. In summary, the available evidence is currently insufficient to determine the role of this variant in disease. Therefore, it has been classified as a Variant of Uncertain Significance.